The following is an entry in ClinVar:

NM_152424.4(AMER1):c.2654C>G (p.Ala885Gly)

Gene: AMER1 (APC membrane recruitment protein 1; minus strand). Cytogenetic location: Xq11.2.
Variant type: single nucleotide variant.
Coding change: c.2654C>G on transcript NM_152424.4 (MANE Select); coding-DNA position 2654, C replaced by G.
Protein change: p.Ala885Gly; replaces alanine 885 with glycine.
Molecular consequence: missense variant.
Genome position (GRCh38, 1-based): chrX:64,190,633, G>C on the plus strand (C>G on the coding strand, the complement: AMER1 is on the minus strand). VCF-style: chrX-64190633-G-C. GRCh37 (hg19) VCF-style: chrX-63410513-G-C.
Other names: short protein forms A885G.
Identifiers: ClinVar variation 2868455 (VCV002868455.3), dbSNP rs2147085597, ClinGen allele CA413302486.

ClinVar aggregate classification (germline): Uncertain significance (1 of 4 stars; one submission).

Submission:

Labcorp Genetics (formerly Invitae), Labcorp
Classification: Uncertain significance. Last evaluated: 2024-07-01. Review status: criteria provided, single submitter. Criteria: Invitae Variant Classification Sherloc (09022015). Collection method: clinical testing. Allele origin: germline.
Comment: This sequence change replaces alanine, which is neutral and non-polar, with glycine, which is neutral and non-polar, at codon 885 of the AMER1 protein (p.Ala885Gly). This variant is not present in population databases (gnomAD no frequency). This variant has not been reported in the literature in individuals affected with AMER1-related conditions. An algorithm developed to predict the effect of missense changes on protein structure and function (PolyPhen-2) suggests that this variant is likely to be disruptive. In summary, the available evidence is currently insufficient to determine the role of this variant in disease. Therefore, it has been classified as a Variant of Uncertain Significance.